The following is an entry in ClinVar:

ClinVar aggregate classification (germline): Uncertain significance. Review status: criteria provided, multiple submitters, no conflicts (2 of 4 stars). 2 submissions from 2 submitters: Uncertain significance (2). Last evaluated 2025-10-01.

Allele frequency attached by ClinVar (database versions not stated): 1000 Genomes Project 0.00020; gnomAD 0.00001; 1000 Genomes Project 30x 0.00016; ExAC 0.00001; gnomAD exomes below 0.00001.
gnomAD v4.1: 2 of 1,614,064 alleles (0.00012%); highest among the groups gnomAD compares: Admixed American, 0.0017%; no homozygotes.

Submissions (2):

Mayo Clinic Laboratories, Mayo Clinic
Classification: Uncertain significance. Last evaluated: 2025-10-01. Review status: criteria provided, single submitter. Criteria: ACMG Guidelines, 2015. Collection method: clinical testing. Allele origin: germline. Observed: 1 variant allele.
Comment: BP4_moderate

Athena Diagnostics
Classification: Uncertain significance. Last evaluated: 2022-10-19. Review status: criteria provided, single submitter. Criteria: Athena Diagnostics Criteria. Collection method: clinical testing. Allele origin: unknown.
Comment: Available data are insufficient to determine the clinical significance of the variant at this time. The frequency of this variant in the general population is uninformative in assessment of its pathogenicity. Computational tools predict that this variant is not damaging.

NM_015046.7(SETX):c.100G>A (p.Asp34Asn)

Gene: SETX (senataxin; minus strand). Cytogenetic location: 9q34.13.
Variant type: single nucleotide variant.
Coding change: c.100G>A on transcript NM_015046.7 (MANE Select); coding-DNA position 100, G replaced by A.
Protein change: p.Asp34Asn; replaces aspartic acid 34 with asparagine.
Molecular consequence: missense variant.
Genome position (GRCh38, 1-based): chr9:132,349,329, C>T on the plus strand (G>A on the coding strand, the complement: SETX is on the minus strand). VCF-style: chr9-132349329-C-T. GRCh37 (hg19) VCF-style: chr9-135224716-C-T.
Other names: p.Asp34Asn; c.100G>A, p.Asp34Asn (NM_001351527.2, NM_001351528.2); short protein forms D34N.
Identifiers: ClinVar variation 2684365 (VCV002684365.2), dbSNP rs555364587, ClinGen allele CA5298131.
Genomic context (GRCh38, chr9:132,349,329, plus strand): 5'-ATTCATCTCTTGCTTTGTGGTACTCAGCCACACACTCCAAGCAGTAGCAGAGGTCTTCGT[C>T]GGCTGTTTGAAATTCACCGGACGGAGTGTTGGAAGCATAGCGCTTTAGGAAGTCAATGGT-3'
Protein context (NP_055861.3, residues 24-44): NTPSGEFQTA[Asp34Asn]EDLCYCLECV